The following is an entry in ClinVar:

ClinVar aggregate classification (germline): Pathogenic. Review status: criteria provided, multiple submitters, no conflicts (2 of 4 stars). 2 submissions from 2 submitters: Pathogenic (2). Last evaluated 2025-02-25.

Conditions:
Familial adenomatous polyposis 1 (FAP1). Also called: POLYPOSIS, ADENOMATOUS INTESTINAL; FAMILIAL ADENOMATOUS POLYPOSIS 1, ATTENUATED. Identifiers: MedGen C2713442, MONDO:0021056, OMIM 175100. Disease mechanism: loss of function.

Submissions (2):

Labcorp Genetics (formerly Invitae), Labcorp
Classification: Pathogenic for Familial adenomatous polyposis 1. Last evaluated: 2025-02-25. Review status: criteria provided, single submitter. Criteria: Invitae Variant Classification Sherloc (09022015). Collection method: clinical testing. Allele origin: germline.
Comment: This sequence change creates a premature translational stop signal (p.Tyr622*) in the APC gene. It is expected to result in an absent or disrupted protein product. Loss-of-function variants in APC are known to be pathogenic (PMID: 17963004, 20685668). This variant is not present in population databases (gnomAD no frequency). This premature translational stop signal has been observed in individual(s) with familial adenomatous polyposis (PMID: 1316610, 10077047, 17963004, 20223039). ClinVar contains an entry for this variant (Variation ID: 1071211). Algorithms developed to predict the effect of sequence changes on RNA splicing suggest that this variant may disrupt the consensus splice site. For these reasons, this variant has been classified as Pathogenic.

Baylor Genetics
Classification: Pathogenic for Familial adenomatous polyposis 1. Last evaluated: 2022-07-08. Review status: criteria provided, single submitter. Criteria: ACMG Guidelines, 2015. Collection method: clinical testing. Allele origin: unknown.

Literature cited by the submitters: PubMed 17963004 (cited by Labcorp Genetics (formerly Invitae), Labcorp); PubMed 20685668 (cited by Labcorp Genetics (formerly Invitae), Labcorp); PubMed 1316610 (cited by Labcorp Genetics (formerly Invitae), Labcorp); PubMed 10077047 (cited by Labcorp Genetics (formerly Invitae), Labcorp); PubMed 20223039 (cited by Labcorp Genetics (formerly Invitae), Labcorp).

NM_000038.6(APC):c.1865dup (p.Tyr622Ter)

Gene: APC (APC regulator of Wnt signaling pathway; plus strand). Cytogenetic location: 5q22.2.
Variant type: Duplication.
Coding change: c.1865dup on transcript NM_000038.6 (MANE Select); coding-DNA position 1865, one base duplicated (A; older notation c.1865dupA).
Protein change: p.Tyr622Ter; replaces tyrosine 622 with a stop codon.
Molecular consequence: nonsense.
Genome position (GRCh38, 1-based): chr5:112,835,072, A duplicated. VCF-style (leftmost placement, unchanged base first): chr5-112835071-T-TA. GRCh37 (hg19) VCF-style: chr5-112170768-T-TA.
Other names: c.1865dup, p.Tyr622Ter (NM_001127510.3, NM_001354895.2); c.1811dup, p.Tyr604Ter (NM_001127511.3); c.1919dup, p.Tyr640Ter (NM_001354896.2); c.1895dup, p.Tyr632Ter (NM_001354897.2); c.1790dup, p.Tyr597Ter (NM_001354898.2); c.1781dup, p.Tyr594Ter (NM_001354899.2); c.1742dup, p.Tyr581Ter (NM_001354900.2); c.1688dup, p.Tyr563Ter (NM_001354901.2); and 5 more; short protein forms Y339*, Y462*, Y496*, Y521*, Y531*, Y563*, Y581*, Y594*.
Identifiers: ClinVar variation 1071211 (VCV001071211.11), dbSNP rs2149842963, ClinGen allele CA2499217463.